The following is an entry in ClinVar:

NM_000417.3(IL2RA):c.*2108T>G

Gene: IL2RA (interleukin 2 receptor subunit alpha; minus strand). Cytogenetic location: 10p15.1.
Variant type: single nucleotide variant.
Coding change: c.*2108T>G on transcript NM_000417.3 (MANE Select); 2108 bases downstream of the stop codon, T replaced by G.
Molecular consequence: 3 prime UTR variant.
Genome position (GRCh38, 1-based): chr10:6,010,764, A>C on the plus strand (T>G on the coding strand, the complement: IL2RA is on the minus strand). VCF-style: chr10-6010764-A-C. GRCh37 (hg19) VCF-style: chr10-6052727-A-C.
Other names: c.*2108T>G (NM_001308242.2, NM_001308243.2).
Identifiers: ClinVar variation 300211 (VCV000300211.6), dbSNP rs74895246, ClinGen allele CA10635530.

ClinVar aggregate classification (germline): Benign. Review status: criteria provided, multiple submitters, no conflicts (2 of 4 stars). 2 submissions from 2 submitters: Benign (2). Last evaluated 2018-01-13.

Conditions:
Immunodeficiency due to CD25 deficiency. Also called: IMMUNODEFICIENCY 41 WITH LYMPHOPROLIFERATION AND AUTOIMMUNITY; CD25 DEFICIENCY; IL2RA DEFICIENCY. Identifiers: Orphanet 169100, MedGen C1853392, MONDO:0011664, OMIM 606367.

Allele frequency attached by ClinVar (database versions not stated): gnomAD 0.00171 and 0.00415; TOPMed 0.00237; 1000 Genomes Project 30x 0.02264; 1000 Genomes Project 0.02436.

Submissions (2):

Illumina Laboratory Services, Illumina
Classification: Benign for Immunodeficiency due to CD25 deficiency. Last evaluated: 2018-01-13. Review status: criteria provided, single submitter. Criteria: ICSL Variant Classification Criteria 13 December 2019. Collection method: clinical testing. Allele origin: germline.
Comment: This variant was observed in the ICSL laboratory as part of a predisposition screen in an ostensibly healthy population. It had not been previously curated by ICSL or reported in the Human Gene Mutation Database (HGMD: prior to June 1st, 2018), and was therefore a candidate for classification through an automated scoring system. Utilizing variant allele frequency, disease prevalence and penetrance estimates, and inheritance mode, an automated score was calculated to assess if this variant is too frequent to cause the disease. Based on the score and internal cut-off values, a variant classified as benign is not then subjected to further curation. The score for this variant resulted in a classification of benign for this disease.

Breakthrough Genomics
Classification: Benign. Review status: criteria provided, single submitter. Criteria: ACMG Guidelines, 2015. Collection method: not provided. Allele origin: germline. Inheritance: Autosomal recessive inheritance. Affected: yes.